The following is an entry in ClinVar:

ClinVar aggregate classification (germline): Uncertain significance. Review status: criteria provided, multiple submitters, no conflicts (2 of 4 stars). 2 submissions from 2 submitters: Uncertain significance (2). Last evaluated 2024-07-16.

Conditions:
Dilated cardiomyopathy 1DD (CMD1DD). Identifiers: Orphanet 154, MedGen C2750995, MONDO:0013168, OMIM 613172.
Cardiovascular phenotype. Identifiers: MedGen CN230736.

gnomAD v4.1: 18 of 1,551,556 alleles (0.0012%); highest among the groups gnomAD compares: Admixed American, 0.002%; no homozygotes.

Submissions (2):

Labcorp Genetics (formerly Invitae), Labcorp
Classification: Uncertain significance for Dilated cardiomyopathy 1DD. Last evaluated: 2024-07-16. Review status: criteria provided, single submitter. Criteria: Invitae Variant Classification Sherloc (09022015). Collection method: clinical testing. Allele origin: germline.
Comment: This sequence change replaces valine, which is neutral and non-polar, with leucine, which is neutral and non-polar, at codon 535 of the RBM20 protein (p.Val535Leu). This variant is not present in population databases (gnomAD no frequency). This variant has not been reported in the literature in individuals affected with RBM20-related conditions. ClinVar contains an entry for this variant (Variation ID: 1776228). Advanced modeling of protein sequence and biophysical properties (such as structural, functional, and spatial information, amino acid conservation, physicochemical variation, residue mobility, and thermodynamic stability) performed at Invitae indicates that this missense variant is not expected to disrupt RBM20 protein function with a negative predictive value of 95%. In summary, the available evidence is currently insufficient to determine the role of this variant in disease. Therefore, it has been classified as a Variant of Uncertain Significance.

Ambry Genetics
Classification: Uncertain significance for Cardiovascular phenotype. Last evaluated: 2021-09-10. Review status: criteria provided, single submitter. Criteria: Ambry Variant Classification Scheme 2023. Collection method: clinical testing. Allele origin: germline.
Comment: The p.V535L variant (also known as c.1603G>C), located in coding exon 6 of the RBM20 gene, results from a G to C substitution at nucleotide position 1603. The valine at codon 535 is replaced by leucine, an amino acid with highly similar properties. This amino acid position is highly conserved in available vertebrate species. In addition, the in silico prediction for this alteration is inconclusive. Since supporting evidence is limited at this time, the clinical significance of this alteration remains unclear.

NM_001134363.3(RBM20):c.1603G>C (p.Val535Leu)

Gene: RBM20 (RNA binding motif protein 20; plus strand). Cytogenetic location: 10q25.2.
Variant type: single nucleotide variant.
Coding change: c.1603G>C on transcript NM_001134363.3 (MANE Select); coding-DNA position 1603, G replaced by C.
Protein change: p.Val535Leu; replaces valine 535 with leucine.
Molecular consequence: missense variant.
Genome position (GRCh38, 1-based): chr10:110,797,583, G>C. VCF-style: chr10-110797583-G-C. GRCh37 (hg19) VCF-style: chr10-112557341-G-C.
Other names: short protein forms V535L.
Identifiers: ClinVar variation 1776228 (VCV001776228.5), dbSNP rs183007628, ClinGen allele CA378390098.